The following is an entry in ClinVar:

ClinVar aggregate classification (germline): Uncertain significance (1 of 4 stars; one submission).

Submission:

Labcorp Genetics (formerly Invitae), Labcorp
Classification: Uncertain significance. Last evaluated: 2022-08-16. Review status: criteria provided, single submitter. Criteria: Invitae Variant Classification Sherloc (09022015). Collection method: clinical testing. Allele origin: germline.
Comment: This variant, c.3995_3997del, is a complex sequence change that results in the deletion of 2 and insertion of 1 amino acid(s) in the COL11A2 protein (p.Gln1332_Gly1333delinsArg). This variant is not present in population databases (gnomAD no frequency). This variant has not been reported in the literature in individuals affected with COL11A2-related conditions. ClinVar contains an entry for this variant (Variation ID: 1525313). In summary, the available evidence is currently insufficient to determine the role of this variant in disease. Therefore, it has been classified as a Variant of Uncertain Significance. Experimental studies and prediction algorithms are not available or were not evaluated, and the functional significance of this variant is currently unknown.

NM_080680.3(COL11A2):c.3995_3997del (p.Gln1332_Gly1333delinsArg)

Gene: COL11A2 (collagen type XI alpha 2 chain; minus strand). Cytogenetic location: 6p21.32.
Variant type: Deletion.
Coding change: c.3995_3997del on transcript NM_080680.3 (MANE Select); coding-DNA positions 3995 to 3997, 3 bases deleted (AAG; older notation c.3995_3997delAAG).
Protein change: p.Gln1332_Gly1333delinsArg.
Molecular consequence: inframe indel.
Genome position (GRCh38, 1-based): chr6:33,167,816-33,167,818, CTT deleted on the plus strand (AAG on the coding strand, the reverse complement: COL11A2 is on the minus strand). VCF-style (leftmost placement, unchanged base first): chr6-33167815-CCTT-C. GRCh37 (hg19) VCF-style: chr6-33135592-CCTT-C.
Other names: c.3674_3676del, p.Gln1225_Gly1226delinsArg (NM_080679.3); c.3737_3739del, p.Gln1246_Gly1247delinsArg (NM_080681.3).
Identifiers: ClinVar variation 1525313 (VCV001525313.6), dbSNP rs2150527286, ClinGen allele CA2573140221.